The following is an entry in ClinVar:

ClinVar aggregate classification (germline): Conflicting classifications of pathogenicity. Review status: criteria provided, conflicting classifications (1 of 4 stars). 3 submissions from 3 submitters: Uncertain significance (1); Likely benign (2). Last evaluated 2025-03-04.

Conditions:
Hereditary cancer-predisposing syndrome. Also called: Hereditary Cancer Syndrome; Hereditary neoplastic syndrome; Tumor predisposition; Neoplastic Syndromes, Hereditary. Identifiers: Orphanet 140162, MedGen C0027672, MeSH D009386, MONDO:0015356.

Submissions (3):

Center for Genomic Medicine, Rigshospitalet, Copenhagen University Hospital
Classification: Likely benign. Last evaluated: 2025-03-04. Review status: criteria provided, single submitter. Criteria: ACMG Guidelines, 2015. Collection method: clinical testing. Allele origin: germline.
Comment: Classification criteria: BP1_strong

Ambry Genetics
Classification: Uncertain significance for Hereditary cancer-predisposing syndrome. Last evaluated: 2024-09-08. Review status: criteria provided, single submitter. Criteria: Ambry Variant Classification Scheme 2023. Collection method: clinical testing. Allele origin: germline.
Comment: The p.C801S variant (also known as c.2402G>C), located in coding exon 9 of the BRCA1 gene, results from a G to C substitution at nucleotide position 2402. The cysteine at codon 801 is replaced by serine, an amino acid with dissimilar properties. This amino acid position is conserved. In addition, the in silico prediction for this alteration is inconclusive. Since supporting evidence is limited at this time, the clinical significance of this alteration remains unclear.

University of Washington Department of Laboratory Medicine, University of Washington
Classification: Likely benign for Hereditary cancer-predisposing syndrome. Last evaluated: 2023-03-23. Review status: criteria provided, single submitter. Criteria: Dines et al. (Genet Med. 2020). Collection method: curation. Allele origin: germline.
Comment: Missense variant in a coldspot region where missense variants are very unlikely to be pathogenic (PMID:31911673).

BRCA1 coldspot (exon 11 using historical exon numbering). Reclassification based on statistical prior probability

NM_007294.4(BRCA1):c.2402G>C (p.Cys801Ser)

Gene: BRCA1 (BRCA1 DNA repair associated; minus strand). Cytogenetic location: 17q21.31.
Variant type: single nucleotide variant.
Coding change: c.2402G>C on transcript NM_007294.4 (MANE Select); coding-DNA position 2402, G replaced by C.
Protein change: p.Cys801Ser; replaces cysteine 801 with serine.
Molecular consequence: missense variant. On other transcripts: intron variant (137).
Genome position (GRCh38, 1-based): chr17:43,093,129, C>G on the plus strand (G>C on the coding strand, the complement: BRCA1 is on the minus strand). VCF-style: chr17-43093129-C-G. GRCh37 (hg19) VCF-style: chr17-41245146-C-G.
Other names: c.709+1615G>C (NM_001408409.1, NM_001408414.1, NM_001408411.1 and 2 more transcripts); c.574+1615G>C (NM_001408493.1, NM_001408490.1, NM_001408491.1); c.454+1615G>C (NM_001408502.1); c.577+1615G>C (NM_001408489.1, NM_001408479.1, NM_001408482.1 and 9 more transcripts); c.661+1615G>C (NM_001408445.1, NM_001408432.1, NM_001408450.1 and 6 more transcripts); c.668-2097G>C (NM_001408431.1, NM_001408424.1, NM_001408421.1); c.784+1615G>C (NM_001408407.1, NM_001408402.1, NM_001408473.1 and 13 more transcripts); c.664+1615G>C (NM_001408443.1, NM_001408439.1, NM_001408425.1 and 12 more transcripts); and 41 more; short protein forms C505S, C690S, C712S, C733S, C753S, C801S, C633S, C713S.
Identifiers: ClinVar variation 1790754 (VCV001790754.6), dbSNP rs1567795821, ClinGen allele CA10597203.